The following is an entry in ClinVar:

NM_001166108.2(PALLD):c.*161C>T

Genes: CBR4 (carbonyl reductase 4; minus strand), PALLD (palladin, cytoskeletal associated protein; plus strand). Cytogenetic location: 4q32.3.
Variant type: single nucleotide variant.
Coding change: c.*161C>T on transcript NM_001166108.2 (MANE Select); 161 bases downstream of the stop codon, C replaced by T.
Molecular consequence: 3 prime UTR variant. On other transcripts: missense variant (4).
Genome position (GRCh38, 1-based): chr4:168,926,341, C>T. VCF-style: chr4-168926341-C-T. GRCh37 (hg19) VCF-style: chr4-169847492-C-T.
Other names: c.1975C>T (NM_001166110.1); c.2290C>T, p.His764Tyr (NM_001166109.2); c.1975C>T, p.His659Tyr (NM_001166110.2); c.*161C>T (NM_001367567.1, NM_001367570.1, NM_016081.4); c.1366C>T, p.His456Tyr (NM_001367568.1); c.1315C>T, p.His439Tyr (NM_001367569.1); short protein forms H456Y, H659Y, H764Y, H439Y.
Identifiers: ClinVar variation 1043477 (VCV001043477.9), dbSNP rs1762577012, ClinGen allele CA358716627.

ClinVar aggregate classification (germline): Uncertain significance. Review status: criteria provided, multiple submitters, no conflicts (2 of 4 stars). 2 submissions from 2 submitters: Uncertain significance (2). Last evaluated 2026-04-20.

Conditions:
Pancreatic adenocarcinoma. Identifiers: MedGen C0281361, MONDO:0006047, HP:0006725.

Allele frequency attached by ClinVar (database versions not stated): gnomAD exomes 0.00001.
gnomAD v4.1: 3 of 1,537,368 alleles (0.0002%); highest among the groups gnomAD compares: Non-Finnish European, 0.00026%; no homozygotes.

Submissions (2):

Ambry Genetics
Classification: Uncertain significance. Last evaluated: 2026-04-20. Review status: criteria provided, single submitter. Criteria: Ambry Variant Classification Scheme 2023. Collection method: clinical testing. Allele origin: germline.
Comment: The p.H659Y variant (also known as c.1975C>T), located in coding exon 11 of the PALLD gene, results from a C to T substitution at nucleotide position 1975. The histidine at codon 659 is replaced by tyrosine, an amino acid with similar properties. This amino acid position is conserved. In addition, this alteration is predicted to be tolerated by in silico analysis. Based on the available evidence, the clinical significance of this variant remains unclear.

Labcorp Genetics (formerly Invitae), Labcorp
Classification: Uncertain significance for Pancreatic adenocarcinoma. Last evaluated: 2020-01-28. Review status: criteria provided, single submitter. Criteria: Invitae Variant Classification Sherloc (09022015). Collection method: clinical testing. Allele origin: germline.
Comment: This variant is not present in population databases (ExAC no frequency). This sequence change replaces histidine with tyrosine at codon 659 of the PALLD protein (p.His659Tyr). The histidine residue is weakly conserved and there is a moderate physicochemical difference between histidine and tyrosine. This variant has not been reported in the literature in individuals with PALLD-related conditions. Algorithms developed to predict the effect of missense changes on protein structure and function are either unavailable or do not agree on the potential impact of this missense change (SIFT: "Not Available"; PolyPhen-2: "Benign"; Align-GVGD: "Class C0"). In summary, the available evidence is currently insufficient to determine the role of this variant in disease. Therefore, it has been classified as a Variant of Uncertain Significance.